The following is an entry in ClinVar:

NM_001113491.2(SEPTIN9):c.304G>A (p.Glu102Lys)

Gene: SEPTIN9 (septin 9; plus strand). Cytogenetic location: 17q25.3.
Variant type: single nucleotide variant.
Coding change: c.304G>A on transcript NM_001113491.2 (MANE Select); coding-DNA position 304, G replaced by A.
Protein change: p.Glu102Lys; replaces glutamic acid 102 with lysine.
Molecular consequence: missense variant. On other transcripts: 5 prime UTR variant (2).
Genome position (GRCh38, 1-based): chr17:77,402,286, G>A. VCF-style: chr17-77402286-G-A. GRCh37 (hg19) VCF-style: chr17-75398368-G-A.
Other names: c.-189G>A (NM_001113492.2, NM_001113494.1); c.283G>A, p.Glu95Lys (NM_001113493.2); c.247G>A, p.Glu83Lys (NM_001293695.2); c.250G>A, p.Glu84Lys (NM_006640.5); c.250G>A (NM_006640.4); short protein forms E102K, E83K, E84K, E95K.
Identifiers: ClinVar variation 3618853 (VCV003618853.3).

ClinVar aggregate classification (germline): Uncertain significance. Review status: criteria provided, multiple submitters, no conflicts (2 of 4 stars). 2 submissions from 2 submitters: Uncertain significance (2). Last evaluated 2025-09-10.

Conditions:
Pontocerebellar hypoplasia type 6 (PCH6). Identifiers: Orphanet 166073, MedGen C1969084, MONDO:0012683, OMIM 611523.

gnomAD v4.1: 1 of 1,612,372 alleles (0.000062%); highest among the groups gnomAD compares: Non-Finnish European, 0.000085%; no homozygotes.

Submissions (2):

Genomic Medicine Center of Excellence, King Faisal Specialist Hospital and Research Centre
Classification: Uncertain significance for Pontocerebellar hypoplasia type 6. Last evaluated: 2025-09-10. Review status: criteria provided, single submitter. Criteria: ACMG Guidelines, 2015. Collection method: clinical testing. Allele origin: germline.

Labcorp Genetics (formerly Invitae), Labcorp
Classification: Uncertain significance. Last evaluated: 2024-06-28. Review status: criteria provided, single submitter. Criteria: Invitae Variant Classification Sherloc (09022015). Collection method: clinical testing. Allele origin: germline.
Comment: This sequence change replaces glutamic acid, which is acidic and polar, with lysine, which is basic and polar, at codon 84 of the SEPT9 protein (p.Glu84Lys). This variant is not present in population databases (gnomAD no frequency). This variant has not been reported in the literature in individuals affected with SEPT9-related conditions. Advanced modeling of protein sequence and biophysical properties (such as structural, functional, and spatial information, amino acid conservation, physicochemical variation, residue mobility, and thermodynamic stability) performed at Invitae indicates that this missense variant is not expected to disrupt SEPT9 protein function with a negative predictive value of 80%. In summary, the available evidence is currently insufficient to determine the role of this variant in disease. Therefore, it has been classified as a Variant of Uncertain Significance.